The following is an entry in ClinVar:

ClinVar aggregate classification (germline): Uncertain significance. Review status: criteria provided, multiple submitters, no conflicts (2 of 4 stars). 2 submissions from 2 submitters: Uncertain significance (2). Last evaluated 2025-07-22.

Conditions:
Epidermolysis bullosa simplex 3, localized or generalized intermediate, with BP230 deficiency (EBS3). Also called: Epidermolysis bullosa simplex, autosomal recessive 2; Epidermolysis bullosa simplex due to BP230 deficiency. Identifiers: Orphanet 412181, MedGen C3809470, MONDO:0014180, OMIM 615425.
Hereditary sensory and autonomic neuropathy type 6. Also called: Neuropathy, hereditary sensory and autonomic, type VI; HSAN VI. Identifiers: Orphanet 314381, MedGen C3539003, MONDO:0013839, OMIM 614653.

Allele frequency attached by ClinVar (database versions not stated): gnomAD 0.00001; gnomAD exomes 0.00001; TOPMed 0.00001; ExAC 0.00002; ESP Exome Variant Server 0.00023.
gnomAD v4.1: 4 of 1,614,102 alleles (0.00025%); highest among the groups gnomAD compares: Non-Finnish European, 0.00034%; no homozygotes.

Submissions (2):

Women's Health and Genetics/Laboratory Corporation of America, LabCorp
Classification: Uncertain significance. Last evaluated: 2025-07-22. Review status: criteria provided, single submitter. Criteria: LabCorp Variant Classification Summary - May 2015. Collection method: clinical testing. Allele origin: germline.
Comment: Variant summary: DST c.5855A>G (p.Gln1952Arg) results in a conservative amino acid change in the encoded protein sequence. Algorithms developed to predict the effect of missense changes on protein structure and function are either unavailable or do not agree on the potential impact of this missense change. The variant allele was found at a frequency of 8e-06 in 251170 control chromosomes. The available data on variant occurrences in the general population are insufficient to allow any conclusion about variant significance. To our knowledge, no occurrence of c.5855A>G in individuals affected with Epidermolysis bullosa simplex 3, localized or generalized intermediate, with BP230 deficiency and no experimental evidence demonstrating its impact on protein function have been reported. ClinVar contains an entry for this variant (Variation ID: 575258). Based on the evidence outlined above, the variant was classified as uncertain significance.

Labcorp Genetics (formerly Invitae), Labcorp
Classification: Uncertain significance for Epidermolysis bullosa simplex 3, localized or generalized intermediate, with BP230 deficiency; Hereditary sensory and autonomic neuropathy type 6. Last evaluated: 2021-09-01. Review status: criteria provided, single submitter. Criteria: Invitae Variant Classification Sherloc (09022015). Collection method: clinical testing. Allele origin: germline.
Comment: This sequence change replaces glutamine with arginine at codon 1952 of the DST protein (p.Gln1952Arg). The glutamine residue is highly conserved and there is a small physicochemical difference between glutamine and arginine. This variant is present in population databases (rs150351052, ExAC 0.003%). This variant has not been reported in the literature in individuals affected with DST-related conditions. Algorithms developed to predict the effect of missense changes on protein structure and function are either unavailable or do not agree on the potential impact of this missense change (SIFT: "Deleterious"; PolyPhen-2: "Benign"; Align-GVGD: "Class C35"). In summary, the available evidence is currently insufficient to determine the role of this variant in disease. Therefore, it has been classified as a Variant of Uncertain Significance.

NM_001723.7(DST):c.5855A>G (p.Gln1952Arg)

Gene: DST (dystonin; minus strand). Cytogenetic location: 6p12.1.
Variant type: single nucleotide variant.
Coding change: c.5855A>G on transcript NM_001723.7 (MANE Plus Clinical); coding-DNA position 5855, A replaced by G.
Protein change: p.Gln1952Arg; replaces glutamine 1952 with arginine.
Molecular consequence: missense variant. On other transcripts: intron variant (10).
Genome position (GRCh38, 1-based): chr6:56,618,179, T>C on the plus strand (A>G on the coding strand, the complement: DST is on the minus strand). VCF-style: chr6-56618179-T-C. GRCh37 (hg19) VCF-style: chr6-56482977-T-C.
Other names: c.4831-3695A>G (NM_001144769.5); c.4930-3695A>G (NM_001374722.1, NM_001374736.1); c.4957-3695A>G (NM_001374734.1); c.4417-3695A>G (NM_001144770.2); c.4297-3695A>G (NM_001374730.1, NM_001386100.1, NM_183380.4 and 1 more transcripts); c.3319-3695A>G (NM_015548.5); short protein forms Q1952R.
Identifiers: ClinVar variation 575258 (VCV000575258.9), dbSNP rs150351052, ClinGen allele CA3870291.